The following is an entry in ClinVar:

NM_015175.3(NBEAL2):c.2612G>A (p.Arg871His)

Gene: NBEAL2 (neurobeachin like 2; plus strand). Cytogenetic location: 3p21.31.
Variant type: single nucleotide variant.
Coding change: c.2612G>A on transcript NM_015175.3 (MANE Select); coding-DNA position 2612, G replaced by A.
Protein change: p.Arg871His; replaces arginine 871 with histidine.
Molecular consequence: missense variant.
Genome position (GRCh38, 1-based): chr3:46,997,009, G>A. VCF-style: chr3-46997009-G-A. GRCh37 (hg19) VCF-style: chr3-47038499-G-A.
Other names: p.Arg871His; c.2612G>A (NM_015175.1); c.2510G>A, p.Arg837His (NM_001365116.2); short protein forms R837H, R871H.
Identifiers: ClinVar variation 3379455 (VCV003379455.2).

ClinVar aggregate classification (germline): Uncertain significance. Review status: criteria provided, multiple submitters, no conflicts (2 of 4 stars). 2 submissions from 2 submitters: Uncertain significance (2). Last evaluated 2025-11-05.

Conditions:
Inborn genetic diseases. Identifiers: MedGen C0950123, MeSH D030342.

Submissions (2):

Ambry Genetics
Classification: Uncertain significance for Inborn genetic diseases. Last evaluated: 2025-11-05. Review status: criteria provided, single submitter. Criteria: Ambry Variant Classification Scheme 2023. Collection method: clinical testing. Allele origin: germline.

Mayo Clinic Laboratories, Mayo Clinic
Classification: Uncertain significance. Last evaluated: 2023-10-10. Review status: criteria provided, single submitter. Criteria: ACMG Guidelines, 2015. Collection method: clinical testing. Allele origin: germline. Observed: 1 variant allele.
Comment: PM2_moderate